The following is an entry in ClinVar:

NM_006852.6(TLK2):c.1785G>A (p.Ser595=)

Gene: TLK2 (tousled like kinase 2; plus strand). Cytogenetic location: 17q23.2.
Variant type: single nucleotide variant.
Coding change: c.1785G>A on transcript NM_006852.6 (MANE Select); coding-DNA position 1785, G replaced by A.
Protein change: p.Ser595=; no amino-acid change (serine 595 retained).
Molecular consequence: synonymous variant.
Genome position (GRCh38, 1-based): chr17:62,602,106, G>A. VCF-style: chr17-62602106-G-A. GRCh37 (hg19) VCF-style: chr17-60679467-G-A.
Other names: c.1851G>A, p.Ser617= (NM_001284333.3); c.1689G>A, p.Ser563= (NM_001284363.1, NM_001375272.1, NM_001438203.1 and 1 more transcripts); c.1338G>A, p.Ser446= (NM_001330418.3, NM_001375273.1); c.1827G>A, p.Ser609= (NM_001375269.1); c.1785G>A, p.Ser595= (NM_001375270.1, NM_001375271.1); c.1500G>A, p.Ser500= (NM_001411074.1); c.1596G>A, p.Ser532= (NM_001438205.1).
Identifiers: ClinVar variation 4822472 (VCV004822472.4).

ClinVar aggregate classification (germline): Likely benign (1 of 4 stars; one submission).

gnomAD v4.1: 34 of 1,613,644 alleles (0.0021%); highest among the groups gnomAD compares: Non-Finnish European, 0.0027%; no homozygotes.

Submission:

CeGaT Center for Human Genetics Tuebingen
Classification: Likely benign. Last evaluated: 2026-03-01. Review status: criteria provided, single submitter. Criteria: CeGaT Center For Human Genetics Tuebingen Variant Classification Criteria Version 2. Collection method: clinical testing. Allele origin: germline. Affected: yes. Observed: 1 variant allele.
Comment: TLK2: BP4, BP7